The following is an entry in ClinVar:

ClinVar aggregate classification (germline): Benign. Review status: criteria provided, multiple submitters, no conflicts (2 of 4 stars). 3 submissions from 3 submitters: Benign (3). Last evaluated 2026-01-22.

Conditions:
COG4-congenital disorder of glycosylation. Also called: COG4-CDG; CONGENITAL DISORDER OF GLYCOSYLATION, TYPE IIj; CDG IIj. Identifiers: Orphanet 263501, MedGen C4303552, MONDO:0013281, OMIM 613489.

Allele frequency attached by ClinVar (database versions not stated): ESP Exome Variant Server 0.03363; TOPMed 0.03416; 1000 Genomes Project 0.03594; 1000 Genomes Project 30x 0.03982.
gnomAD v4.1: 9,567 of 1,613,006 alleles (0.59%); highest among the groups gnomAD compares: African/African-American, 11%; 541 homozygotes.

Submissions (3):

Labcorp Genetics (formerly Invitae), Labcorp
Classification: Benign for COG4-congenital disorder of glycosylation. Last evaluated: 2026-01-22. Review status: criteria provided, single submitter. Criteria: Invitae Variant Classification Sherloc (09022015). Collection method: clinical testing. Allele origin: germline.

GeneDx
Classification: Benign. Last evaluated: 2016-02-23. Review status: criteria provided, single submitter. Criteria: GeneDx Variant Classification (06012015). Collection method: clinical testing. Allele origin: germline. Affected: yes.
Comment: This variant is considered likely benign or benign based on one or more of the following criteria: it is a conservative change, it occurs at a poorly conserved position in the protein, it is predicted to be benign by multiple in silico algorithms, and/or has population frequency not consistent with disease.

Breakthrough Genomics
Classification: Benign. Review status: criteria provided, single submitter. Criteria: ACMG Guidelines, 2015. Collection method: not provided. Allele origin: germline. Inheritance: Autosomal recessive inheritance. Affected: yes.

NM_015386.3(COG4):c.2236-16A>G

Gene: COG4 (component of oligomeric golgi complex 4; minus strand). Cytogenetic location: 16q22.1.
Variant type: single nucleotide variant.
Coding change: c.2236-16A>G on transcript NM_015386.3 (MANE Select); 16 bases into the intron before coding-DNA position 2236, A replaced by G.
Molecular consequence: intron variant.
Genome position (GRCh38, 1-based): chr16:70,481,160, T>C on the plus strand (A>G on the coding strand, the complement: COG4 is on the minus strand). VCF-style: chr16-70481160-T-C. GRCh37 (hg19) VCF-style: chr16-70515063-T-C.
Other names: c.2161-16A>G (NM_001195139.2); c.1810-16A>G (NM_001365426.1).
Identifiers: ClinVar variation 381407 (VCV000381407.11), dbSNP rs17879608, ClinGen allele CA8143987.